The following is an entry in ClinVar:

ClinVar aggregate classification (germline): Conflicting classifications of pathogenicity. Review status: criteria provided, conflicting classifications (1 of 4 stars). 2 submissions from 2 submitters: Likely pathogenic (1); Uncertain significance (1). Last evaluated 2024-09-17.

Conditions:
Oocyte/zygote/embryo maturation arrest 18 (OZEMA18). Identifiers: MedGen C5830441, MONDO:0957230, OMIM 620332.

Allele frequency attached by ClinVar (database versions not stated): ExAC 0.00001; gnomAD 0.00001; TOPMed 0.00001.
gnomAD v4.1: 14 of 1,614,040 alleles (0.00087%); highest among the groups gnomAD compares: Non-Finnish European, 0.0011%; no homozygotes.

Submissions (2):

GeneDx
Classification: Uncertain significance. Last evaluated: 2024-09-17. Review status: criteria provided, single submitter. Criteria: GeneDx Variant Classification Process June 2021. Collection method: clinical testing. Allele origin: germline. Affected: yes.
Comment: Nonsense variant predicted to result in protein truncation or nonsense mediated decay in a gene or region of a gene for which loss of function is not a well-established mechanism of disease; Has not been previously published as pathogenic or benign to our knowledge

Genomic Medicine Center of Excellence, King Faisal Specialist Hospital and Research Centre
Classification: Likely pathogenic for Oocyte/zygote/embryo maturation arrest 18. Last evaluated: 2024-04-04. Review status: criteria provided, single submitter. Criteria: ACMG Guidelines, 2015. Collection method: clinical testing. Allele origin: germline.

NM_017852.5(NLRP2):c.1759C>T (p.Arg587Ter)

Gene: NLRP2 (NLR family pyrin domain containing 2; plus strand). Cytogenetic location: 19q13.42.
Variant type: single nucleotide variant.
Coding change: c.1759C>T on transcript NM_017852.5 (MANE Select); coding-DNA position 1759, C replaced by T.
Protein change: p.Arg587Ter; replaces arginine 587 with a stop codon.
Molecular consequence: nonsense. On other transcripts: non-coding transcript variant (1).
Genome position (GRCh38, 1-based): chr19:54,983,457, C>T. VCF-style: chr19-54983457-C-T. GRCh37 (hg19) VCF-style: chr19-55494825-C-T.
Other names: c.1759C>T, p.Arg587Ter (NM_001174081.3); c.1693C>T, p.Arg565Ter (NM_001174082.3); c.1690C>T, p.Arg564Ter (NM_001174083.2); c.1750C>T, p.Arg584Ter (NM_001348003.2); c.1759C>T (NM_017852.3); short protein forms R564*, R565*, R584*, R587*.
Identifiers: ClinVar variation 3068113 (VCV003068113.2), dbSNP rs777564374, ClinGen allele CA310105470.